The following is an entry in ClinVar:

ClinVar aggregate classification (germline): Uncertain significance. Review status: criteria provided, multiple submitters, no conflicts (2 of 4 stars). 3 submissions from 3 submitters: Uncertain significance (3). Last evaluated 2025-07-15.

Conditions:
Hereditary cancer-predisposing syndrome. Also called: Tumor predisposition; Hereditary neoplastic syndrome; Neoplastic Syndromes, Hereditary; Hereditary Cancer Syndrome. Identifiers: Orphanet 140162, MedGen C0027672, MeSH D009386, MONDO:0015356.
Neurofibromatosis, type 2 (SWNV). Also called: NF2-Related Schwannomatosis; BILATERAL ACOUSTIC NEUROFIBROMATOSIS; SCHWANNOMATOSIS, VESTIBULAR. Identifiers: Orphanet 637, MedGen C0027832, MONDO:0007039, OMIM 101000. Disease mechanism: loss of function.

Submissions (3):

Ambry Genetics
Classification: Uncertain significance for Hereditary cancer-predisposing syndrome. Last evaluated: 2025-07-15. Review status: criteria provided, single submitter. Criteria: Ambry Variant Classification Scheme 2023. Collection method: clinical testing. Allele origin: germline.
Comment: The p.R346K variant (also known as c.1037G>A), located in coding exon 11 of the NF2 gene, results from a G to A substitution at nucleotide position 1037. The arginine at codon 346 is replaced by lysine, an amino acid with highly similar properties. This amino acid position is highly conserved in available vertebrate species. In addition, the in silico prediction for this alteration is inconclusive. Since supporting evidence is limited at this time, the clinical significance of this alteration remains unclear.

Labcorp Genetics (formerly Invitae), Labcorp
Classification: Uncertain significance for Neurofibromatosis, type 2. Last evaluated: 2024-09-02. Review status: criteria provided, single submitter. Criteria: Invitae Variant Classification Sherloc (09022015). Collection method: clinical testing. Allele origin: germline.
Comment: This sequence change replaces arginine, which is basic and polar, with lysine, which is basic and polar, at codon 346 of the NF2 protein (p.Arg346Lys). This variant is not present in population databases (gnomAD no frequency). This variant has not been reported in the literature in individuals affected with NF2-related conditions. ClinVar contains an entry for this variant (Variation ID: 527709). Invitae Evidence Modeling of protein sequence and biophysical properties (such as structural, functional, and spatial information, amino acid conservation, physicochemical variation, residue mobility, and thermodynamic stability) has been performed for this missense variant. However, the output from this modeling did not meet the statistical confidence thresholds required to predict the impact of this variant on NF2 protein function. In summary, the available evidence is currently insufficient to determine the role of this variant in disease. Therefore, it has been classified as a Variant of Uncertain Significance.

All of Us Research Program, National Institutes of Health
Classification: Uncertain significance for Neurofibromatosis, type 2. Last evaluated: 2024-03-05. Review status: criteria provided, single submitter. Criteria: ACMG Guidelines, 2015. Collection method: clinical testing. Allele origin: germline. Inheritance: Autosomal dominant inheritance. Observed: 1 variant allele, 1 heterozygote.
Comment: This study involves interpretation of variants in research participants for the purpose of population health screening. Participant phenotype was not available at the time of variant classification. Additional details can be found in publication PMID: 35346344, PMCID: PMC8962531

NM_000268.4(NF2):c.1037G>A (p.Arg346Lys)

Gene: NF2 (NF2, moesin-ezrin-radixin like (MERLIN) tumor suppressor; plus strand). Cytogenetic location: 22q12.2.
Variant type: single nucleotide variant.
Coding change: c.1037G>A on transcript NM_000268.4 (MANE Select); coding-DNA position 1037, G replaced by A.
Protein change: p.Arg346Lys; replaces arginine 346 with lysine.
Molecular consequence: missense variant. On other transcripts: non-coding transcript variant (1), intron variant (1).
Genome position (GRCh38, 1-based): chr22:29,671,863, G>A. VCF-style: chr22-29671863-G-A. GRCh37 (hg19) VCF-style: chr22-30067852-G-A.
Other names: c.1037G>A, p.Arg346Lys (NM_016418.5, NM_181825.3, NM_181832.3); c.911G>A, p.Arg304Lys (NM_181828.3); c.914G>A, p.Arg305Lys (NM_181829.3); c.788G>A, p.Arg263Lys (NM_181830.3, NM_181831.3); c.448-22889G>A (NM_181833.3); short protein forms R346K, R263K, R304K, R305K.
Identifiers: ClinVar variation 527709 (VCV000527709.12), dbSNP rs1556000154, ClinGen allele CA411146842.